The following is an entry in ClinVar:

ClinVar aggregate classification (germline): Benign/Likely benign. Review status: criteria provided, multiple submitters, no conflicts (2 of 4 stars). 7 submissions from 7 submitters: Benign (3); Likely benign (4). Last evaluated 2026-08-06.

Conditions:
ACTN2-related disorder. Also called: ACTN2 related condition; ACTN2-related disorders.
Primary familial hypertrophic cardiomyopathy (HCM). Identifiers: Orphanet 99739, MedGen C0949658, MeSH D024741, MONDO:0024573. Inheritance: Various modes of inheritance.
Dilated cardiomyopathy 1AA (CMD1AA). Also called: Cardiomyopathy, dilated, 1AA, with or without LVNC; CARDIOMYOPATHY, DILATED, 1AA, WITH OR WITHOUT LEFT VENTRICULAR NONCOMPACTION; CARDIOMYOPATHY, FAMILIAL HYPERTROPHIC, 23, WITH OR WITHOUT LEFT VENTRICULAR NONCOMPACTION. Identifiers: Orphanet 154, MedGen C2677338, MONDO:0012808, OMIM 612158.
Cardiovascular phenotype. Identifiers: MedGen CN230736.
Cardiomyopathy (CMYO). Also called: Cardiomyopathies. Identifiers: Orphanet 167848, MedGen C0878544, MONDO:0004994, HP:0001638. Inheritance: Various modes of inheritance.

Allele frequency attached by ClinVar (database versions not stated): gnomAD 0.00006; TOPMed 0.00014; ESP Exome Variant Server 0.00015; 1000 Genomes Project 0.00060; 1000 Genomes Project 30x 0.00078.
gnomAD v4.1: 101 of 1,613,982 alleles (0.0063%); highest among the groups gnomAD compares: East Asian, 0.038%; no homozygotes.

Submissions (7):

PreventionGenetics, part of Exact Sciences
Classification: Likely benign for ACTN2-related condition. Last evaluated: 2026-08-06. Review status: criteria provided, single submitter. Criteria: ACMG Guidelines, 2015. Collection method: clinical testing. Allele origin: germline.
Comment: This variant is classified as likely benign based on ACMG/AMP sequence variant interpretation guidelines (Richards et al. 2015 PMID: 25741868, with internal and published modifications).

Labcorp Genetics (formerly Invitae), Labcorp
Classification: Likely benign for Primary familial hypertrophic cardiomyopathy; Dilated cardiomyopathy 1AA. Last evaluated: 2025-12-23. Review status: criteria provided, single submitter. Criteria: Invitae Variant Classification Sherloc (09022015). Collection method: clinical testing. Allele origin: germline.

Ambry Genetics
Classification: Likely benign for Cardiovascular phenotype. Last evaluated: 2019-12-30. Review status: criteria provided, single submitter. Criteria: Ambry Variant Classification Scheme 2023. Collection method: clinical testing. Allele origin: germline.

Women's Health and Genetics/Laboratory Corporation of America, LabCorp
Classification: Benign. Last evaluated: 2019-06-24. Review status: criteria provided, single submitter. Criteria: LabCorp Variant Classification Summary - May 2015. Collection method: clinical testing. Allele origin: germline.

CHEO Genetics Diagnostic Laboratory, Children's Hospital of Eastern Ontario
Classification: Benign for Cardiomyopathy. Last evaluated: 2018-01-12. Review status: criteria provided, single submitter. Criteria: ACMG Guidelines, 2015. Collection method: clinical testing. Allele origin: germline.

GeneDx
Classification: Benign. Last evaluated: 2016-09-08. Review status: criteria provided, single submitter. Criteria: GeneDx Variant Classification (06012015). Collection method: clinical testing. Allele origin: germline. Affected: yes.
Comment: This variant is considered likely benign or benign based on one or more of the following criteria: it is a conservative change, it occurs at a poorly conserved position in the protein, it is predicted to be benign by multiple in silico algorithms, and/or has population frequency not consistent with disease.

Laboratory for Molecular Medicine, Mass General Brigham Personalized Medicine
Classification: Likely benign. Last evaluated: 2012-03-19. Review status: criteria provided, single submitter. Criteria: LMM Criteria. Collection method: clinical testing. Allele origin: germline. Observed: 1 variant allele.
Comment: Pro598Pro in exon 15 of ACTN2: This variant is not expected to have clinical sig nificance because it does not alter an amino acid residue and is not located wit hin the splice consensus sequence. It has been identified in 0.1% (2/3738) of Af rican American chromosomes from a broad population by the NHLBI Exome Sequencing Project (dbSNP rs137890030). Pro598Pro in ex on 15 of ACTN2 (rs137890030; allele frequency = 0.1%, 2/3738) **

NM_001103.4(ACTN2):c.1794G>A (p.Pro598=)

Gene: ACTN2 (actinin alpha 2; plus strand). Cytogenetic location: 1q43.
Variant type: single nucleotide variant.
Coding change: c.1794G>A on transcript NM_001103.4 (MANE Select); coding-DNA position 1794, G replaced by A.
Protein change: p.Pro598=; no amino-acid change (proline 598 retained).
Molecular consequence: synonymous variant.
Genome position (GRCh38, 1-based): chr1:236,751,607, G>A. VCF-style: chr1-236751607-G-A. GRCh37 (hg19) VCF-style: chr1-236914907-G-A.
Other names: c.1794G>A, p.Pro598= (NM_001278343.2); c.1170G>A, p.Pro390= (NM_001278344.2).
Identifiers: ClinVar variation 178004 (VCV000178004.21), dbSNP rs137890030, ClinGen allele CA181157.
Genomic context (GRCh38, chr1:236,751,607, plus strand): 5'-CCAGAACGAGGTGGAGAAGGTGATTCAGAGCTACAACATCAGAATCAGCTCAAGCAACCC[G>A]TACAGCACTGTCACCATGGATGAGCTCCGGACCAAGTGGGACAAGGTGGGTGGCTGAGGG-3'
Protein context (NP_001094.1, residues 588-608): SYNIRISSSN[Pro598=]YSTVTMDELR